The following is an entry in ClinVar:

ClinVar aggregate classification (germline): Likely benign. Review status: criteria provided, multiple submitters, no conflicts (2 of 4 stars). 3 submissions from 3 submitters: Likely benign (3). Last evaluated 2026-06-25.

Conditions:
AGXT-related disorder. Also called: AGXT-related condition.

Allele frequency attached by ClinVar (database versions not stated): ExAC 0.00003; gnomAD exomes 0.00004; gnomAD 0.00006; TOPMed 0.00007.

Submissions (3):

PreventionGenetics, part of Exact Sciences
Classification: Likely benign for AGXT-related condition. Last evaluated: 2026-06-25. Review status: criteria provided, single submitter. Criteria: ACMG Guidelines, 2015. Collection method: clinical testing. Allele origin: germline.
Comment: This variant is classified as likely benign based on ACMG/AMP sequence variant interpretation guidelines (Richards et al. 2015 PMID: 25741868, with internal and published modifications).

Labcorp Genetics (formerly Invitae), Labcorp
Classification: Likely benign. Last evaluated: 2026-01-14. Review status: criteria provided, single submitter. Criteria: Invitae Variant Classification Sherloc (09022015). Collection method: clinical testing. Allele origin: germline.

Blueprint Genetics
Classification: Likely benign. Last evaluated: 2021-12-02. Review status: criteria provided, single submitter. Criteria: ACMG Guidelines, 2015. Collection method: clinical testing. Allele origin: germline.

NM_000030.3(AGXT):c.636C>T (p.Asn212=)

Gene: AGXT (alanine--glyoxylate aminotransferase; plus strand). Cytogenetic location: 2q37.3.
Variant type: single nucleotide variant.
Coding change: c.636C>T on transcript NM_000030.3 (MANE Select); coding-DNA position 636, C replaced by T.
Protein change: p.Asn212=; no amino-acid change (asparagine 212 retained).
Molecular consequence: synonymous variant.
Genome position (GRCh38, 1-based): chr2:240,874,018, C>T. VCF-style: chr2-240874018-C-T. GRCh37 (hg19) VCF-style: chr2-241813435-C-T.
Other names: c.636C>T (NM_000030.2).
Identifiers: ClinVar variation 1137972 (VCV001137972.11), dbSNP rs753534486, ClinGen allele CA2209177.